The following is an entry in ClinVar:

NM_002769.5(PRSS1):c.635G>C (p.Gly212Ala)

Genes: TRB (T cell receptor beta locus; plus strand), PRSS1 (serine protease 1; plus strand). Cytogenetic location: 7q34.
Variant type: single nucleotide variant.
Coding change: c.635G>C on transcript NM_002769.5 (MANE Select); coding-DNA position 635, G replaced by C.
Protein change: p.Gly212Ala; replaces glycine 212 with alanine.
Molecular consequence: missense variant. On other transcripts: non-coding transcript variant (5).
Genome position (GRCh38, 1-based): chr7:142,752,911, G>C. VCF-style: chr7-142752911-G-C. GRCh37 (hg19) VCF-style: chr7-142460762-G-C.
Other names: short protein forms G212A.
Identifiers: ClinVar variation 2448223 (VCV002448223.3), dbSNP rs1798876723, ClinGen allele CA369610652.

ClinVar aggregate classification (germline): Uncertain significance (1 of 4 stars; one submission).

Conditions:
Hereditary pancreatitis (PCTT). Also called: Hereditary chronic pancreatitis; PRSS1-Related Hereditary Pancreatitis. Identifiers: Orphanet 676, MedGen C0238339, MONDO:0008185, OMIM 167800.

Submission:

Ambry Genetics
Classification: Uncertain significance for Hereditary pancreatitis. Last evaluated: 2025-04-04. Review status: criteria provided, single submitter. Criteria: Ambry Variant Classification Scheme 2023. Collection method: clinical testing. Allele origin: germline.
Comment: The p.G212A variant (also known as c.635G>C), located in coding exon 5 of the PRSS1 gene, results from a G to C substitution at nucleotide position 635. The glycine at codon 212 is replaced by alanine, an amino acid with similar properties. This amino acid position is conserved. In addition, this alteration is predicted to be deleterious by in silico analysis. Since supporting evidence is limited at this time, the clinical significance of this alteration remains unclear.